The following is an entry in ClinVar:

ClinVar aggregate classification (germline): Pathogenic (1 of 4 stars; one submission).

Conditions:
Metachromatic leukodystrophy (MLD). Also called: Cerebral sclerosis diffuse metachromatic form; Arylsulfatase A Deficiency; ARSA DEFICIENCY; CEREBROSIDE SULFATASE DEFICIENCY; METACHROMATIC LEUKOENCEPHALOPATHY; SULFATIDE LIPIDOSIS. Identifiers: Orphanet 512, MedGen C0023522, MONDO:0018868, OMIM 250100.

Submission:

Women's Health and Genetics/Laboratory Corporation of America, LabCorp
Classification: Pathogenic for Metachromatic leukodystrophy. Last evaluated: 2026-03-02. Review status: criteria provided, single submitter. Criteria: LabCorp Variant Classification Summary - May 2015. Collection method: clinical testing. Allele origin: germline.
Comment: Variant summary: ARSA c.434delG (p.Arg145HisfsX3) results in a premature termination codon, predicted to cause absence of the protein due to nonsense mediated decay, which is a commonly known mechanism for disease. The variant was absent in 240740 control chromosomes (gnomAD). To our knowledge, no occurrence of c.434delG in individuals affected with ARSA-related conditions and no experimental evidence demonstrating its impact on protein function have been reported. No submitters have cited clinical-significance assessments for this variant to ClinVar. Based on the evidence outlined above, the variant was classified as pathogenic.

NM_000487.6(ARSA):c.434del (p.Arg145fs)

Gene: ARSA (arylsulfatase A; minus strand). Cytogenetic location: 22q13.33.
Variant type: Deletion.
Coding change: c.434del on transcript NM_000487.6 (MANE Select); coding-DNA position 434, one base deleted (G; older notation c.434delG).
Protein change: p.Arg145fs; shifts the reading frame from arginine 145.
Molecular consequence: frameshift variant.
Genome position (GRCh38, 1-based): chr22:50,627,197, C deleted on the plus strand (G on the coding strand, the reverse complement: ARSA is on the minus strand). VCF-style (leftmost placement, unchanged base first): chr22-50627196-TC-T. GRCh37 (hg19) VCF-style: chr22-51065624-TC-T.
Other names: c.434delG (NM_000487.6); c.434del, p.Arg145fs (NM_001085425.3, NM_001085426.3, NM_001085427.3); c.176del, p.Arg59fs (NM_001085428.3, NM_001362782.2); short protein forms R145fs, R59fs.
Identifiers: ClinVar variation 4847585 (VCV004847585.1).